The following is an entry in ClinVar:

NM_017780.4(CHD7):c.8288A>G (p.Asn2763Ser)

Gene: CHD7 (chromodomain helicase DNA binding protein 7; plus strand). Cytogenetic location: 8q12.2.
Variant type: single nucleotide variant.
Coding change: c.8288A>G on transcript NM_017780.4 (MANE Select); coding-DNA position 8288, A replaced by G.
Protein change: p.Asn2763Ser; replaces asparagine 2763 with serine.
Molecular consequence: missense variant.
Genome position (GRCh38, 1-based): chr8:60,865,227, A>G. VCF-style: chr8-60865227-A-G. GRCh37 (hg19) VCF-style: chr8-61777786-A-G.
Other names: c.2141A>G, p.Asn714Ser (NM_001316690.1); short protein forms N2763S, N714S.
Identifiers: ClinVar variation 3343510 (VCV003343510.1).
Genomic context (GRCh38, chr8:60,865,227, plus strand): 5'-CTTTGCTGGTGAACAGCCTGTTTGCTGGAATGGACCTGACGAGCCTTCAGAATCTCCAGA[A>G]TCTCCAGTCGCTCCAGCTGGCAGGCCTCATGGGCTTCCCTCCAGGACTGGCAACAGCTGC-3'
Protein context (NP_060250.2, residues 2753-2773): MDLTSLQNLQ[Asn2763Ser]LQSLQLAGLM

ClinVar aggregate classification (germline): Uncertain significance (1 of 4 stars; one submission).

Submission:

GeneDx
Classification: Uncertain significance. Last evaluated: 2023-05-17. Review status: criteria provided, single submitter. Criteria: GeneDx Variant Classification Process June 2021. Collection method: clinical testing. Allele origin: germline. Affected: yes.
Comment: Not observed at significant frequency in large population cohorts (gnomAD); In silico analysis supports that this missense variant has a deleterious effect on protein structure/function; Has not been previously published as pathogenic or benign to our knowledge